The following is an entry in ClinVar:

NM_003716.4(CADPS):c.2220T>C (p.Asn740=)

Gene: CADPS (calcium dependent secretion activator; minus strand). Cytogenetic location: 3p14.2.
Variant type: single nucleotide variant.
Coding change: c.2220T>C on transcript NM_003716.4 (MANE Select); coding-DNA position 2220, T replaced by C.
Protein change: p.Asn740=; no amino-acid change (asparagine 740 retained).
Molecular consequence: synonymous variant.
Genome position (GRCh38, 1-based): chr3:62,532,942, A>G on the plus strand (T>C on the coding strand, the complement: CADPS is on the minus strand). VCF-style: chr3-62532942-A-G. GRCh37 (hg19) VCF-style: chr3-62518617-A-G.
Other names: c.2169T>C, p.Asn723= (NM_183393.3); c.2220T>C, p.Asn740= (NM_183394.3).
Identifiers: ClinVar variation 3034920 (VCV003034920.2), dbSNP rs765741289, ClinGen allele CA2476783.

ClinVar aggregate classification (germline): Likely benign (0 of 4 stars; one submission).

Conditions:
CADPS-related disorder. Also called: CADPS-related condition.

Allele frequency attached by ClinVar (database versions not stated): gnomAD 0.00001; ExAC 0.00002.
gnomAD v4.1: 20 of 1,613,494 alleles (0.0012%); highest among the groups gnomAD compares: Admixed American, 0.0017%; no homozygotes.

Submission:

PreventionGenetics, part of Exact Sciences
Classification: Likely benign for CADPS-related condition. Last evaluated: 2020-01-03. Review status: no assertion criteria provided. Collection method: clinical testing. Allele origin: germline.
Comment: This variant is classified as likely benign based on ACMG/AMP sequence variant interpretation guidelines (Richards et al. 2015 PMID: 25741868, with internal and published modifications).